The following is an entry in ClinVar:

NM_000262.3(NAGA):c.759+17G>T

Gene: NAGA (alpha-N-acetylgalactosaminidase; minus strand). Cytogenetic location: 22q13.2.
Variant type: single nucleotide variant.
Coding change: c.759+17G>T on transcript NM_000262.3 (MANE Select); 17 bases into the intron after coding-DNA position 759, G replaced by T.
Molecular consequence: intron variant.
Genome position (GRCh38, 1-based): chr22:42,065,721, C>A on the plus strand (G>T on the coding strand, the complement: NAGA is on the minus strand). VCF-style: chr22-42065721-C-A. GRCh37 (hg19) VCF-style: chr22-42461725-C-A.
Other names: c.759+17G>T (NM_001362850.1, NM_001362848.1).
Identifiers: ClinVar variation 2111607 (VCV002111607.4), dbSNP rs2519061130, ClinGen allele CA2580099881.
Genomic context (GRCh38, chr22:42,065,721, plus strand): 5'-GGAAGAAAGCACAGGGCAGTGGGGAGCAGGGTCGTCACAGATGGTGGGCCTAGGGACATC[C>A]CCCTCCATCCTGGTACCATGTCAGGGTCATTCCAGTGCCCAGGGCCGGCCACTGGCTGCA-3'

ClinVar aggregate classification (germline): Uncertain significance (1 of 4 stars; one submission).

Conditions:
Alpha-N-acetylgalactosaminidase deficiency type 1. Also called: SCHINDLER DISEASE, TYPE I; ALPHA-N-ACETYLGALACTOSAMINIDASE DEFICIENCY, TYPE I; NAGA DEFICIENCY, TYPE I; NEUROAXONAL DYSTROPHY, SCHINDLER TYPE. Identifiers: Orphanet 3137, Orphanet 79279, Orphanet 79281, MedGen C1836544, MONDO:0012221, OMIM 609241.

Submission:

Labcorp Genetics (formerly Invitae), Labcorp
Classification: Uncertain significance for Alpha-N-acetylgalactosaminidase deficiency type 1. Last evaluated: 2022-07-19. Review status: criteria provided, single submitter. Criteria: Invitae Variant Classification Sherloc (09022015). Collection method: clinical testing. Allele origin: germline.
Comment: This variant has not been reported in the literature in individuals affected with NAGA-related conditions. This variant is not present in population databases (gnomAD no frequency). This sequence change falls in intron 6 of the NAGA gene. It does not directly change the encoded amino acid sequence of the NAGA protein. Algorithms developed to predict the effect of sequence changes on RNA splicing suggest that this variant may create or strengthen a splice site. In summary, the available evidence is currently insufficient to determine the role of this variant in disease. Therefore, it has been classified as a Variant of Uncertain Significance.